The following is an entry in ClinVar:

ClinVar aggregate classification (germline): Uncertain significance (1 of 4 stars; one submission).

Submission:

Labcorp Genetics (formerly Invitae), Labcorp
Classification: Uncertain significance. Last evaluated: 2024-11-04. Review status: criteria provided, single submitter. Criteria: Invitae Variant Classification Sherloc (09022015). Collection method: clinical testing. Allele origin: germline.
Comment: This sequence change replaces tyrosine, which is neutral and polar, with histidine, which is basic and polar, at codon 2909 of the DNAH9 protein (p.Tyr2909His). This variant is not present in population databases (gnomAD no frequency). This variant has not been reported in the literature in individuals affected with DNAH9-related conditions. ClinVar contains an entry for this variant (Variation ID: 2807561). Invitae Evidence Modeling of protein sequence and biophysical properties (such as structural, functional, and spatial information, amino acid conservation, physicochemical variation, residue mobility, and thermodynamic stability) indicates that this missense variant is expected to disrupt DNAH9 protein function with a positive predictive value of 80%. In summary, the available evidence is currently insufficient to determine the role of this variant in disease. Therefore, it has been classified as a Variant of Uncertain Significance.

NM_001372.4(DNAH9):c.8725T>C (p.Tyr2909His)

Gene: DNAH9 (dynein axonemal heavy chain 9; plus strand). Cytogenetic location: 17p12.
Variant type: single nucleotide variant.
Coding change: c.8725T>C on transcript NM_001372.4 (MANE Select); coding-DNA position 8725, T replaced by C.
Protein change: p.Tyr2909His; replaces tyrosine 2909 with histidine.
Molecular consequence: missense variant.
Genome position (GRCh38, 1-based): chr17:11,821,937, T>C. VCF-style: chr17-11821937-T-C. GRCh37 (hg19) VCF-style: chr17-11725254-T-C.
Other names: short protein forms Y2909H.
Identifiers: ClinVar variation 2807561 (VCV002807561.3), dbSNP rs2544714577, ClinGen allele CA398199266.